The following is an entry in ClinVar:

NM_000136.3(FANCC):c.1428C>A (p.Asp476Glu)

Genes: AOPEP (aminopeptidase O (putative); plus strand), FANCC (FA complementation group C; minus strand). Cytogenetic location: 9q22.32.
Variant type: single nucleotide variant.
Coding change: c.1428C>A on transcript NM_000136.3 (MANE Select); coding-DNA position 1428, C replaced by A.
Protein change: p.Asp476Glu; replaces aspartic acid 476 with glutamic acid.
Molecular consequence: missense variant.
Genome position (GRCh38, 1-based): chr9:95,107,171, G>T on the plus strand (C>A on the coding strand, the complement: FANCC is on the minus strand). VCF-style: chr9-95107171-G-T. GRCh37 (hg19) VCF-style: chr9-97869453-G-T.
Other names: c.1428C>A, p.Asp476Glu (NM_001243743.2); short protein forms D476E.
Identifiers: ClinVar variation 2429629 (VCV002429629.1), dbSNP rs2540809342, ClinGen allele CA374105980.

ClinVar aggregate classification (germline): Uncertain significance (1 of 4 stars; one submission).

Submission:

GeneDx
Classification: Uncertain significance. Last evaluated: 2022-08-09. Review status: criteria provided, single submitter. Criteria: GeneDx Variant Classification Process June 2021. Collection method: clinical testing. Allele origin: germline. Affected: yes.
Comment: Not observed at significant frequency in large population cohorts (gnomAD); In silico analysis supports that this missense variant does not alter protein structure/function; Has not been previously published as pathogenic or benign to our knowledge